The following is an entry in ClinVar:

ClinVar aggregate classification (germline): Uncertain significance. Review status: criteria provided, multiple submitters, no conflicts (2 of 4 stars). 2 submissions from 2 submitters: Uncertain significance (2). Last evaluated 2025-03-12.

Conditions:
Inborn genetic diseases. Identifiers: MedGen C0950123, MeSH D030342.

Submissions (2):

GeneDx
Classification: Uncertain significance. Last evaluated: 2025-03-12. Review status: criteria provided, single submitter. Criteria: GeneDx Variant Classification Process June 2021. Collection method: clinical testing. Allele origin: germline. Affected: yes.
Comment: Not observed at significant frequency in large population cohorts (gnomAD); In silico analysis indicates that this missense variant does not alter protein structure/function; Has not been previously published as pathogenic or benign to our knowledge

Ambry Genetics
Classification: Uncertain significance for Inborn genetic diseases. Last evaluated: 2018-08-27. Review status: criteria provided, single submitter. Criteria: Ambry Variant Classification Scheme 2023. Collection method: clinical testing. Allele origin: germline.
Comment: The p.D1084N variant (also known as c.3250G>A), located in coding exon 25 of the CHD2 gene, results from a G to A substitution at nucleotide position 3250. The aspartic acid at codon 1084 is replaced by asparagine, an amino acid with highly similar properties. This amino acid position is highly conserved in available vertebrate species. In addition, this alteration is predicted to be tolerated by in silico analysis. Since supporting evidence is limited at this time, the clinical significance of this alteration remains unclear.

NM_001271.4(CHD2):c.3250G>A (p.Asp1084Asn)

Gene: CHD2 (chromodomain helicase DNA binding protein 2; plus strand). Cytogenetic location: 15q26.1.
Variant type: single nucleotide variant.
Coding change: c.3250G>A on transcript NM_001271.4 (MANE Select); coding-DNA position 3250, G replaced by A.
Protein change: p.Asp1084Asn; replaces aspartic acid 1084 with asparagine.
Molecular consequence: missense variant.
Genome position (GRCh38, 1-based): chr15:92,985,510, G>A. VCF-style: chr15-92985510-G-A. GRCh37 (hg19) VCF-style: chr15-93528740-G-A.
Other names: short protein forms D1084N.
Identifiers: ClinVar variation 1729420 (VCV001729420.3), dbSNP rs2505562255, ClinGen allele CA393895495.